The following is an entry in ClinVar:

ClinVar aggregate classification (germline): Uncertain significance (1 of 4 stars; one submission).

gnomAD v4.1: 5 of 1,144,867 alleles (0.00044%); highest among the groups gnomAD compares: East Asian, 0.015%; no homozygotes.

Submission:

Labcorp Genetics (formerly Invitae), Labcorp
Classification: Uncertain significance. Last evaluated: 2025-05-05. Review status: criteria provided, single submitter. Criteria: Invitae Variant Classification Sherloc (09022015). Collection method: clinical testing. Allele origin: germline.
Comment: This sequence change replaces glutamic acid, which is acidic and polar, with glutamine, which is neutral and polar, at codon 19 of the PLS3 protein (p.Glu19Gln). This variant is not present in population databases (gnomAD no frequency). This variant has not been reported in the literature in individuals affected with PLS3-related conditions. Invitae Evidence Modeling of protein sequence and biophysical properties (such as structural, functional, and spatial information, amino acid conservation, physicochemical variation, residue mobility, and thermodynamic stability) indicates that this missense variant is not expected to disrupt PLS3 protein function with a negative predictive value of 80%. In summary, the available evidence is currently insufficient to determine the role of this variant in disease. Therefore, it has been classified as a Variant of Uncertain Significance.

NM_005032.7(PLS3):c.55G>C (p.Glu19Gln)

Gene: PLS3 (plastin 3; plus strand). Cytogenetic location: Xq23.
Variant type: single nucleotide variant.
Coding change: c.55G>C on transcript NM_005032.7 (MANE Select); coding-DNA position 55, G replaced by C.
Protein change: p.Glu19Gln; replaces glutamic acid 19 with glutamine.
Molecular consequence: missense variant. On other transcripts: 5 prime UTR variant (2).
Genome position (GRCh38, 1-based): chrX:115,610,305, G>C. VCF-style: chrX-115610305-G-C. GRCh37 (hg19) VCF-style: chrX-114844617-G-C.
Other names: c.55G>C, p.Glu19Gln (NM_001136025.5, NM_001172335.3, NM_001440791.1 and 1 more transcripts); c.-131G>C (NM_001282337.2); c.-463G>C (NM_001282338.2); short protein forms E19Q.
Identifiers: ClinVar variation 4806912 (VCV004806912.1).